The following is an entry in ClinVar:

ClinVar aggregate classification (germline): Likely pathogenic. Review status: criteria provided, multiple submitters, no conflicts (2 of 4 stars). 2 submissions from 2 submitters: Likely pathogenic (2). Last evaluated 2026-06-08.

Conditions:
Familial adenomatous polyposis 1 (FAP1). Also called: FAMILIAL ADENOMATOUS POLYPOSIS 1, ATTENUATED; POLYPOSIS, ADENOMATOUS INTESTINAL. Identifiers: MedGen C2713442, MONDO:0021056, OMIM 175100. Disease mechanism: loss of function.
Hereditary cancer-predisposing syndrome. Also called: Tumor predisposition; Hereditary Cancer Syndrome; Neoplastic Syndromes, Hereditary; Hereditary neoplastic syndrome. Identifiers: Orphanet 140162, MedGen C0027672, MeSH D009386, MONDO:0015356.

Submissions (2):

Ambry Genetics
Classification: Likely pathogenic for Hereditary cancer-predisposing syndrome. Last evaluated: 2026-06-08. Review status: criteria provided, single submitter. Criteria: Ambry Variant Classification Scheme 2023. Collection method: clinical testing. Allele origin: germline.
Comment: The c.1627-2A>G intronic variant results from an A to G substitution two nucleotides upstream from coding exon 13 in the APC gene. Variants that disrupt the canonical splice site are expected to result in aberrant splicing. In silico splice site analysis predicts that this alteration will weaken the native splice acceptor site. A resulting transcript is predicted to be in-frame and is not expected to trigger nonsense-mediated mRNA decay; however, the region predicted to be impacted is critical for protein function (Ambry internal data). RNA studies have demonstrated that this variant results in abnormal splicing in the set of samples tested (Ambry internal data). This variant is considered to be rare based on population cohorts in the Genome Aggregation Database (gnomAD). This nucleotide position is highly conserved in available vertebrate species. Based on the majority of available evidence to date, this variant is likely to be pathogenic.

Labcorp Genetics (formerly Invitae), Labcorp
Classification: Likely pathogenic for Familial adenomatous polyposis 1. Last evaluated: 2018-08-27. Review status: criteria provided, single submitter. Criteria: Invitae Variant Classification Sherloc (09022015). Collection method: clinical testing. Allele origin: germline.
Comment: This sequence change affects an acceptor splice site in intron 13 of the APC gene. It is expected to disrupt RNA splicing and likely results in an absent or disrupted protein product. This variant is not present in population databases (ExAC no frequency). This variant has not been reported in the literature in individuals with APC-related disease. Donor and acceptor splice site variants typically lead to a loss of protein function (PMID: 16199547), and loss-of-function variants in APC are known to be pathogenic (PMID: 17963004, 20685668). In summary, the currently available evidence indicates that the variant is pathogenic, but additional data are needed to prove that conclusively. Therefore, this variant has been classified as Likely Pathogenic.

Literature cited by the submitters: PubMed 16199547 (cited by Labcorp Genetics (formerly Invitae), Labcorp); PubMed 17963004 (cited by Labcorp Genetics (formerly Invitae), Labcorp); PubMed 20685668 (cited by Labcorp Genetics (formerly Invitae), Labcorp).

NM_000038.6(APC):c.1627-2A>G

Gene: APC (APC regulator of Wnt signaling pathway; plus strand). Cytogenetic location: 5q22.2.
Variant type: single nucleotide variant.
Coding change: c.1627-2A>G on transcript NM_000038.6 (MANE Select); the canonical splice acceptor site of the intron before coding-DNA position 1627, A replaced by G.
Molecular consequence: splice acceptor variant.
Genome position (GRCh38, 1-based): chr5:112,828,854, A>G. VCF-style: chr5-112828854-A-G. GRCh37 (hg19) VCF-style: chr5-112164551-A-G.
Other names: c.778-2A>G (NM_001407470.1, NM_001354906.2); c.475-2A>G (NM_001407472.1, NM_001407471.1); c.1681-2A>G (NM_001407447.1, NM_001407448.1, NM_001407449.1 and 1 more transcripts); c.1627-2A>G (NM_001354895.2, NM_001407450.1, NM_001127510.3); c.1378-2A>G (NM_001407456.1, NM_001407457.1, NM_001407455.1 and 1 more transcripts); c.1324-2A>G (NM_001407460.1, NM_001407458.1, NM_001407459.1 and 1 more transcripts); c.1597-2A>G (NM_001407452.1); c.1240-2A>G (NM_001407469.1, NM_001407467.1); and 11 more.
Identifiers: ClinVar variation 654796 (VCV000654796.9), dbSNP rs1580573837, ClinGen allele CA360620464.
Genomic context (GRCh38, chr5:112,828,854, plus strand): 5'-AAACAAAAAAGCAACTAGTATGATTTTATGTATAAATTAATCTAAAATTGATTAATTTGC[A>G]GGTTATTGCGAGTGTTTTGAGGAATTTGTCTTGGCGAGCAGATGTAAATAGTAAAAAGAC-3'